The following is an entry in ClinVar:

ClinVar aggregate classification (germline): Uncertain significance (1 of 4 stars; one submission).

Conditions:
Orthostatic hypotension 1 (ORTHYP1). Also called: Orthostatic hypotension 1, due to DBH deficiency; Dopamine beta-hydroxylase deficiency; NORADRENALINE DEFICIENCY; NOREPINEPHRINE DEFICIENCY. Identifiers: Orphanet 230, MedGen C4746777, MONDO:0009123, OMIM 223360.

Submission:

Labcorp Genetics (formerly Invitae), Labcorp
Classification: Uncertain significance for Orthostatic hypotension 1. Last evaluated: 2025-03-10. Review status: criteria provided, single submitter. Criteria: Invitae Variant Classification Sherloc (09022015). Collection method: clinical testing. Allele origin: germline.
Comment: This sequence change replaces cysteine, which is neutral and slightly polar, with arginine, which is basic and polar, at codon 466 of the DBH protein (p.Cys466Arg). This variant is not present in population databases (gnomAD no frequency). This variant has not been reported in the literature in individuals affected with DBH-related conditions. ClinVar contains an entry for this variant (Variation ID: 1470973). Invitae Evidence Modeling of protein sequence and biophysical properties (such as structural, functional, and spatial information, amino acid conservation, physicochemical variation, residue mobility, and thermodynamic stability) indicates that this missense variant is expected to disrupt DBH protein function with a positive predictive value of 80%. In summary, the available evidence is currently insufficient to determine the role of this variant in disease. Therefore, it has been classified as a Variant of Uncertain Significance.

NM_000787.4(DBH):c.1396T>C (p.Cys466Arg)

Gene: DBH (dopamine beta-hydroxylase; plus strand). Cytogenetic location: 9q34.2.
Variant type: single nucleotide variant.
Coding change: c.1396T>C on transcript NM_000787.4 (MANE Select); coding-DNA position 1396, T replaced by C.
Protein change: p.Cys466Arg; replaces cysteine 466 with arginine.
Molecular consequence: missense variant.
Genome position (GRCh38, 1-based): chr9:133,652,961, T>C. VCF-style: chr9-133652961-T-C. GRCh37 (hg19) VCF-style: chr9-136518083-T-C.
Other names: short protein forms C466R.
Identifiers: ClinVar variation 1470973 (VCV001470973.8), dbSNP rs2131292250, ClinGen allele CA375419584.